The following is an entry in ClinVar:

NM_020433.5(JPH2):c.1837G>A (p.Glu613Lys)

Gene: JPH2 (junctophilin 2; minus strand). Cytogenetic location: 20q13.12.
Variant type: single nucleotide variant.
Coding change: c.1837G>A on transcript NM_020433.5 (MANE Select); coding-DNA position 1837, G replaced by A.
Protein change: p.Glu613Lys; replaces glutamic acid 613 with lysine.
Molecular consequence: missense variant.
Genome position (GRCh38, 1-based): chr20:44,115,838, C>T on the plus strand (G>A on the coding strand, the complement: JPH2 is on the minus strand). VCF-style: chr20-44115838-C-T. GRCh37 (hg19) VCF-style: chr20-42744478-C-T.
Other names: short protein forms E613K.
Identifiers: ClinVar variation 2586440 (VCV002586440.5), dbSNP rs1354419576, ClinGen allele CA16622145.

ClinVar aggregate classification (germline): Uncertain significance. Review status: criteria provided, multiple submitters, no conflicts (2 of 4 stars). 2 submissions from 2 submitters: Uncertain significance (2). Last evaluated 2026-02-16.

Conditions:
JPH2-related disorder. Also called: JPH2-related condition.
Cardiovascular phenotype. Identifiers: MedGen CN230736.

Allele frequency attached by ClinVar (database versions not stated): gnomAD exomes below 0.00001; TOPMed below 0.00001; gnomAD 0.00001.
gnomAD v4.1: 7 of 1,596,484 alleles (0.00044%); highest among the groups gnomAD compares: African/African-American, 0.0013%; no homozygotes.

Submissions (2):

PreventionGenetics, part of Exact Sciences
Classification: Uncertain significance for JPH2-related condition. Last evaluated: 2026-02-16. Review status: criteria provided, single submitter. Criteria: ACMG Guidelines, 2015. Collection method: clinical testing. Allele origin: germline.
Comment: The JPH2 c.1837G>A variant is predicted to result in the amino acid substitution p.Glu613Lys. This variant has been reported as uncertain in an individual from a hypertrophic cardiomyopathy cohort; however, detailed clinical findings were not available (Table S13, Thomson et al. 2018. PubMed ID: 30531895). This variant has not been reported in a large population database (gnomAD), indicating this variant is rare. At this time, the clinical significance of this variant is uncertain due to the absence of conclusive functional and genetic evidence.

Ambry Genetics
Classification: Uncertain significance for Cardiovascular phenotype. Last evaluated: 2025-11-10. Review status: criteria provided, single submitter. Criteria: Ambry Variant Classification Scheme 2023. Collection method: clinical testing. Allele origin: germline.
Comment: The p.E613K variant (also known as c.1837G>A), located in coding exon 4 of the JPH2 gene, results from a G to A substitution at nucleotide position 1837. The glutamic acid at codon 613 is replaced by lysine, an amino acid with similar properties. This alteration has been reported in a hypertrophic cardiomyopathy (HCM) cohort; however, clinical details were limited (Thomson KL et al. Genet Med, 2019 Jul;21:1576-1584). This amino acid position is well conserved in available vertebrate species. In addition, this alteration is predicted to be tolerated by in silico analysis. Since supporting evidence is limited at this time, the clinical significance of this alteration remains unclear.

Literature cited by the submitters: PubMed 30531895 (cited by Ambry Genetics).